The following is an entry in ClinVar:

NM_001382430.1(AKT1):c.599G>A (p.Arg200His)

Gene: AKT1 (AKT serine/threonine kinase 1; minus strand). Cytogenetic location: 14q32.33.
Variant type: single nucleotide variant.
Coding change: c.599G>A on transcript NM_001382430.1 (MANE Select); coding-DNA position 599, G replaced by A.
Protein change: p.Arg200His; replaces arginine 200 with histidine.
Molecular consequence: missense variant.
Genome position (GRCh38, 1-based): chr14:104,774,972, C>T on the plus strand (G>A on the coding strand, the complement: AKT1 is on the minus strand). VCF-style: chr14-104774972-C-T. GRCh37 (hg19) VCF-style: chr14-105241309-C-T.
Other names: c.599G>A, p.Arg200His (NM_001014431.2, NM_001014432.2, NM_001382431.1 and 3 more transcripts); short protein forms R200H.
Identifiers: ClinVar variation 856692 (VCV000856692.9), dbSNP rs1462219795, ClinGen allele CA391219220.

ClinVar aggregate classification (germline): Uncertain significance (1 of 4 stars; one submission).

Conditions:
Cowden syndrome 6 (CWS6). Identifiers: Orphanet 201, MedGen C3554519, MONDO:0014048, OMIM 615109.

Allele frequency attached by ClinVar (database versions not stated): gnomAD exomes below 0.00001.

Submission:

Labcorp Genetics (formerly Invitae), Labcorp
Classification: Uncertain significance for Cowden syndrome 6. Last evaluated: 2019-02-24. Review status: criteria provided, single submitter. Criteria: Invitae Variant Classification Sherloc (09022015). Collection method: clinical testing. Allele origin: germline.
Comment: This variant has not been reported in the literature in individuals with AKT1-related conditions. In summary, the available evidence is currently insufficient to determine the role of this variant in disease. Therefore, it has been classified as a Variant of Uncertain Significance. Algorithms developed to predict the effect of missense changes on protein structure and function are either unavailable or do not agree on the potential impact of this missense change (SIFT: "Deleterious"; PolyPhen-2: "Probably Damaging"; Align-GVGD: "Class C0"). This variant is not present in population databases (ExAC no frequency). This sequence change replaces arginine with histidine at codon 200 of the AKT1 protein (p.Arg200His). The arginine residue is highly conserved and there is a small physicochemical difference between arginine and histidine.